The following is an entry in ClinVar:

NM_016327.3(UPB1):c.796T>A (p.Ser266Thr)

Gene: UPB1 (beta-ureidopropionase 1; plus strand). Cytogenetic location: 22q11.23.
Variant type: single nucleotide variant.
Coding change: c.796T>A on transcript NM_016327.3 (MANE Select); coding-DNA position 796, T replaced by A.
Protein change: p.Ser266Thr; replaces serine 266 with threonine.
Molecular consequence: missense variant.
Genome position (GRCh38, 1-based): chr22:24,520,391, T>A. VCF-style: chr22-24520391-T-A. GRCh37 (hg19) VCF-style: chr22-24916359-T-A.
Other names: short protein forms S266T.
Identifiers: ClinVar variation 4767427 (VCV004767427.1).

ClinVar aggregate classification (germline): Uncertain significance (1 of 4 stars; one submission).

gnomAD v4.1: 2 of 1,614,140 alleles (0.00012%); highest among the groups gnomAD compares: Non-Finnish European, 0.00017%; no homozygotes.

Submission:

Labcorp Genetics (formerly Invitae), Labcorp
Classification: Uncertain significance. Last evaluated: 2025-12-09. Review status: criteria provided, single submitter. Criteria: Invitae Variant Classification Sherloc (09022015). Collection method: clinical testing. Allele origin: germline.
Comment: This sequence change replaces serine, which is neutral and polar, with threonine, which is neutral and polar, at codon 266 of the UPB1 protein (p.Ser266Thr). This variant is not present in population databases (gnomAD no frequency). This variant has not been reported in the literature in individuals affected with UPB1-related conditions. Invitae Evidence Modeling of protein sequence and biophysical properties (such as structural, functional, and spatial information, amino acid conservation, physicochemical variation, residue mobility, and thermodynamic stability) indicates that this missense variant is not expected to disrupt UPB1 protein function with a negative predictive value of 80%. In summary, the available evidence is currently insufficient to determine the role of this variant in disease. Therefore, it has been classified as a Variant of Uncertain Significance.